The following is an entry in ClinVar:

NM_003673.4(TCAP):c.472C>T (p.Arg158Cys)

Gene: TCAP (titin-cap; plus strand). Cytogenetic location: 17q12.
Variant type: single nucleotide variant.
Coding change: c.472C>T on transcript NM_003673.4 (MANE Select); coding-DNA position 472, C replaced by T.
Protein change: p.Arg158Cys; replaces arginine 158 with cysteine.
Molecular consequence: missense variant.
Genome position (GRCh38, 1-based): chr17:39,666,077, C>T. VCF-style: chr17-39666077-C-T. GRCh37 (hg19) VCF-style: chr17-37822330-C-T.
Other names: short protein forms R158C.
Identifiers: ClinVar variation 239547 (VCV000239547.20), dbSNP rs397516863, ClinGen allele CA10583538.
Genomic context (GRCh38, chr17:39,666,077, plus strand): 5'-AAGCAGCTGCCCCCTGTGGTGCCTGTCAGCAAGCCCGGTGCACTTCGTCGCTCCCTGTCC[C>T]GCTCCATGTCCCAGGAAGCACAGAGAGGCTGAGAGGGACTGTGACTTGGGCTCCGCTGTG-3'
Protein context (NP_003664.1, residues 148-167): KPGALRRSLS[Arg158Cys]SMSQEAQRG

ClinVar aggregate classification (germline): Conflicting classifications of pathogenicity. Review status: criteria provided, conflicting classifications (1 of 4 stars). 6 submissions from 6 submitters: Likely pathogenic (2); Uncertain significance (3). 1 of the submissions does not count toward it. Last evaluated 2025-10-13.

Conditions:
TCAP-related disorder. Also called: TCAP-related condition.
Cardiovascular phenotype. Identifiers: MedGen CN230736.
Primary familial hypertrophic cardiomyopathy (HCM). Identifiers: Orphanet 99739, MedGen C0949658, MeSH D024741, MONDO:0024573. Inheritance: Various modes of inheritance.
Hypertrophic cardiomyopathy 25 (CMH25). Also called: CARDIOMYOPATHY, FAMILIAL HYPERTROPHIC, 25. Identifiers: MedGen C4225408, MONDO:0011843, OMIM 607487.
Cardiomyopathy (CMYO). Also called: Cardiomyopathies. Identifiers: Orphanet 167848, MedGen C0878544, MONDO:0004994, HP:0001638. Inheritance: Various modes of inheritance.
Primary dilated cardiomyopathy (DCM). Also called: Dilated Cardiomyopathy. Identifiers: Orphanet 217604, MedGen C0007193, MeSH D002311, MONDO:0005021, HP:0001644. Inheritance: Various modes of inheritance.

Allele frequency attached by ClinVar (database versions not stated): TOPMed 0.00001.

Submissions (6):

Labcorp Genetics (formerly Invitae), Labcorp
Classification: Uncertain significance for Hypertrophic cardiomyopathy 25; Primary familial hypertrophic cardiomyopathy. Last evaluated: 2025-10-13. Review status: criteria provided, single submitter. Criteria: Invitae Variant Classification Sherloc (09022015). Collection method: clinical testing. Allele origin: germline.
Comment: This sequence change replaces arginine, which is basic and polar, with cysteine, which is neutral and slightly polar, at codon 158 of the TCAP protein (p.Arg158Cys). This variant is not present in population databases (gnomAD no frequency). This missense change has been observed in individual(s) with dilated cardiomyopathy (PMID: 24037902). ClinVar contains an entry for this variant (Variation ID: 239547). An algorithm developed to predict the effect of missense changes on protein structure and function (PolyPhen-2) suggests that this variant is likely to be disruptive. This variant disrupts the p.Arg158 amino acid residue in TCAP. Other variant(s) that disrupt this residue have been observed in individuals with TCAP-related conditions (internal data), which suggests that this may be a clinically significant amino acid residue. In summary, the available evidence is currently insufficient to determine the role of this variant in disease. Therefore, it has been classified as a Variant of Uncertain Significance.

Blueprint Genetics
Classification: Likely pathogenic for TCAP-related disorders. Last evaluated: 2024-10-28. Review status: criteria provided, single submitter. Criteria: ACMG Guidelines, 2015. Collection method: clinical testing. Allele origin: germline. Affected: yes. Observed: 3 variant alleles.

Ambry Genetics
Classification: Uncertain significance for Cardiovascular phenotype. Last evaluated: 2024-09-27. Review status: criteria provided, single submitter. Criteria: Ambry Variant Classification Scheme 2023. Collection method: clinical testing. Allele origin: germline.
Comment: The p.R158C variant (also known as c.472C>T), located in coding exon 2 of the TCAP gene, results from a C to T substitution at nucleotide position 472. The arginine at codon 158 is replaced by cysteine, an amino acid with highly dissimilar properties. This variant has been reported in individual(s) in dilated cardiomyopathy (DCM) cohorts, but clinical details were limited (Hirtle-Lewis M et al. Clin Cardiol, 2013 Oct;36:628-33; Nguyen TV et al. Circ J, 2021 Aug;85:1469-1478). This amino acid position is highly conserved in available vertebrate species. In addition, this alteration is predicted to be deleterious by in silico analysis. Based on the available evidence, the clinical significance of this variant remains unclear.

GeneDx
Classification: Likely pathogenic. Last evaluated: 2024-05-21. Review status: criteria provided, single submitter. Criteria: GeneDx Variant Classification Process June 2021. Collection method: clinical testing. Allele origin: germline. Affected: yes.
Comment: Reported in association with cardiomyopathy (PMID: 24037902, 34011823); Not observed at significant frequency in large population cohorts (gnomAD); Missense variants in this gene are a common cause of disease and they are underrepresented in the general population; In silico analysis supports that this missense variant has a deleterious effect on protein structure/function; This variant is associated with the following publications: (PMID: 34566695, 34011823, 16490376, 24037902, 37752589)

CHEO Genetics Diagnostic Laboratory, Children's Hospital of Eastern Ontario
Classification: Uncertain significance for Cardiomyopathy. Last evaluated: 2021-09-13. Review status: criteria provided, single submitter. Criteria: ACMG Guidelines, 2015. Collection method: clinical testing. Allele origin: germline.

KTest Genetics, KTest
Classification: Likely pathogenic for Dilated cardiomyopathy. Review status: no assertion criteria provided. Criteria: ACMG Guidelines, 2015. Collection method: clinical testing. Allele origin: germline. Affected: yes. Not counted in ClinVar's aggregate classification.

Literature cited by the submitters: PubMed 24037902 (cited by Labcorp Genetics (formerly Invitae), Labcorp and Ambry Genetics); PubMed 34011823 (cited by Ambry Genetics).